The following is an entry in ClinVar:

NM_004168.4(SDHA):c.99_108del (p.Phe33fs)

Gene: SDHA (succinate dehydrogenase complex flavoprotein subunit A; plus strand). Cytogenetic location: 5p15.33.
Variant type: Deletion.
Coding change: c.99_108del on transcript NM_004168.4 (MANE Select); coding-DNA positions 99 to 108, 10 bases deleted (TCACTTCACT; older notation c.99_108delTCACTTCACT).
Protein change: p.Phe33fs; shifts the reading frame from phenylalanine 33.
Molecular consequence: frameshift variant.
Genome position (GRCh38, 1-based): chr5:223,517-223,526, TCACTTCACT deleted; deleting any 10 consecutive bases within chr5:223,516-223,526 gives the same sequence; the c. name uses the placement nearest the transcript's 3' end. VCF-style (leftmost placement, unchanged base first): chr5-223515-TTTCACTTCAC-T. GRCh37 (hg19) VCF-style: chr5-223630-TTTCACTTCAC-T.
Other names: c.99_108del, p.Phe33fs (NM_001294332.2, NM_001330758.2); short protein forms F33fs.
Identifiers: ClinVar variation 951901 (VCV000951901.8), dbSNP rs1734832099, ClinGen allele CA1139658717.

ClinVar aggregate classification (germline): Pathogenic (1 of 4 stars; one submission).

Conditions:
Mitochondrial complex II deficiency, nuclear type 1. Also called: SUCCINATE CoQ REDUCTASE DEFICIENCY. Identifiers: Orphanet 3208, MedGen C5700310, MONDO:0100294, OMIM 252011.
Pheochromocytoma/paraganglioma syndrome 5. Also called: Paragangliomas 5; SDHA-Related Hereditary Paraganglioma-Pheochromocytoma Syndrome. Identifiers: Orphanet 29072, MedGen C3279992, MONDO:0013602, OMIM 614165.

Submission:

Labcorp Genetics (formerly Invitae), Labcorp
Classification: Pathogenic for Pheochromocytoma/paraganglioma syndrome 5; Mitochondrial complex II deficiency, nuclear type 1. Last evaluated: 2019-07-31. Review status: criteria provided, single submitter. Criteria: Invitae Variant Classification Sherloc (09022015). Collection method: clinical testing. Allele origin: germline.
Comment: For these reasons, this variant has been classified as Pathogenic. Loss-of-function variants in SDHA are known to be pathogenic (PMID: 22974104, 24781757). This variant has not been reported in the literature in individuals with SDHA-related conditions. This variant is not present in population databases (ExAC no frequency). This sequence change creates a premature translational stop signal (p.Phe33Leufs*22) in the SDHA gene. It is expected to result in an absent or disrupted protein product.

Literature cited by the submitters: PubMed 22974104; PubMed 24781757.